The following is an entry in ClinVar:

NM_015512.5(DNAH1):c.10328G>A (p.Arg3443His)

Gene: DNAH1 (dynein axonemal heavy chain 1; plus strand). Cytogenetic location: 3p21.1.
Variant type: single nucleotide variant.
Coding change: c.10328G>A on transcript NM_015512.5 (MANE Select); coding-DNA position 10328, G replaced by A.
Protein change: p.Arg3443His; replaces arginine 3443 with histidine.
Molecular consequence: missense variant.
Genome position (GRCh38, 1-based): chr3:52,392,879, G>A. VCF-style: chr3-52392879-G-A. GRCh37 (hg19) VCF-style: chr3-52426895-G-A.
Other names: c.10328G>A (NM_015512.4); short protein forms R3443H.
Identifiers: ClinVar variation 2050239 (VCV002050239.5), dbSNP rs752391361, ClinGen allele CA2435805.
Genomic context (GRCh38, chr3:52,392,879, plus strand): 5'-TACACCCACAGGCCAAAGTCAGGATTGCAGAGCAGACGGAGAAGGACATCGACCTGACGC[G>A]CATGGAGTACATACCCGTGGCCATCCGCACCCAGATCCTCTTCTTCTGTGTGTCCGACCT-3'
Protein context (NP_056327.4, residues 3433-3453): EQTEKDIDLT[Arg3443His]MEYIPVAIRT

ClinVar aggregate classification (germline): Uncertain significance. Review status: criteria provided, multiple submitters, no conflicts (2 of 4 stars). 2 submissions from 2 submitters: Uncertain significance (2). Last evaluated 2024-11-11.

Conditions:
Spermatogenic failure 18. Identifiers: MedGen C4539783, MONDO:0054615, OMIM 617576.
Ciliary dyskinesia, primary, 37 (CILD37). Also called: CILIARY DYSKINESIA, PRIMARY, 37, WITH OR WITHOUT SITUS INVERSUS. Identifiers: MedGen C4539798, MONDO:0033204, OMIM 617577.

gnomAD v4.1: 13 of 1,607,714 alleles (0.00081%); highest among the groups gnomAD compares: East Asian, 0.0022%; no homozygotes.

Submissions (2):

Labcorp Genetics (formerly Invitae), Labcorp
Classification: Uncertain significance for Ciliary dyskinesia, primary, 37; Spermatogenic failure 18. Last evaluated: 2024-11-11. Review status: criteria provided, single submitter. Criteria: Invitae Variant Classification Sherloc (09022015). Collection method: clinical testing. Allele origin: germline.
Comment: This sequence change replaces arginine, which is basic and polar, with histidine, which is basic and polar, at codon 3443 of the DNAH1 protein (p.Arg3443His). This variant is present in population databases (rs752391361, gnomAD 0.006%). This variant has not been reported in the literature in individuals affected with DNAH1-related conditions. ClinVar contains an entry for this variant (Variation ID: 2050239). Invitae Evidence Modeling of protein sequence and biophysical properties (such as structural, functional, and spatial information, amino acid conservation, physicochemical variation, residue mobility, and thermodynamic stability) indicates that this missense variant is expected to disrupt DNAH1 protein function with a positive predictive value of 80%. In summary, the available evidence is currently insufficient to determine the role of this variant in disease. Therefore, it has been classified as a Variant of Uncertain Significance.

Ambry Genetics
Classification: Uncertain significance. Last evaluated: 2024-05-01. Review status: criteria provided, single submitter. Criteria: Ambry Variant Classification Scheme 2023. Collection method: clinical testing. Allele origin: germline.